The following is an entry in ClinVar:

NM_001267550.2(TTN):c.103294G>A (p.Gly34432Ser)

Genes: TTN-AS1 (TTN antisense RNA 1; plus strand), TTN (titin; minus strand). Cytogenetic location: 2q31.2.
Variant type: single nucleotide variant.
Coding change: c.103294G>A on transcript NM_001267550.2 (MANE Select); coding-DNA position 103294, G replaced by A.
Protein change: p.Gly34432Ser; replaces glycine 34432 with serine.
Molecular consequence: missense variant.
Genome position (GRCh38, 1-based): chr2:178,533,321, C>T on the plus strand (G>A on the coding strand, the complement: TTN is on the minus strand). VCF-style: chr2-178533321-C-T. GRCh37 (hg19) VCF-style: chr2-179398048-C-T.
Other names: c.98371G>A, p.Gly32791Ser (NM_001256850.1); c.76099G>A, p.Gly25367Ser (NM_003319.4); c.95590G>A, p.Gly31864Ser (NM_133378.4); c.76474G>A, p.Gly25492Ser (NM_133432.3); c.76675G>A, p.Gly25559Ser (NM_133437.4); short protein forms G25367S, G25492S, G25559S, G31864S, G32791S, G34432S.
Identifiers: ClinVar variation 3758251 (VCV003758251.2).

ClinVar aggregate classification (germline): Uncertain significance (1 of 4 stars; one submission).

Conditions:
Dilated cardiomyopathy 1G (CMD1G). Identifiers: Orphanet 154, MedGen C1858763, MONDO:0011400, OMIM 604145.
Autosomal recessive limb-girdle muscular dystrophy type 2J (LGMDR10). Also called: Limb-girdle muscular dystrophy, type 2J; MUSCULAR DYSTROPHY, LIMB-GIRDLE, AUTOSOMAL RECESSIVE 10. Identifiers: Orphanet 140922, MedGen C1837342, MONDO:0012127, OMIM 608807.

gnomAD v4.1: 2 of 1,613,844 alleles (0.00012%); highest among the groups gnomAD compares: Non-Finnish European, 0.00017%; no homozygotes.

Submission:

Labcorp Genetics (formerly Invitae), Labcorp
Classification: Uncertain significance for Dilated cardiomyopathy 1G; Autosomal recessive limb-girdle muscular dystrophy type 2J. Last evaluated: 2024-12-16. Review status: criteria provided, single submitter. Criteria: Invitae Variant Classification Sherloc (09022015). Collection method: clinical testing. Allele origin: germline.
Comment: This sequence change replaces glycine, which is neutral and non-polar, with serine, which is neutral and polar, at codon 34432 of the TTN protein (p.Gly34432Ser). This variant is not present in population databases (gnomAD no frequency). This variant has not been reported in the literature in individuals affected with TTN-related conditions. Experimental studies and prediction algorithms are not available or were not evaluated, and the functional significance of this variant is currently unknown. This variant is located in the M band of TTN (PMID: 25589632). Non-truncating variants in this region may be relevant for neuromuscular disorders, but have not been definitively shown to cause cardiomyopathy (PMID: 23975875). In summary, the available evidence is currently insufficient to determine the role of this variant in disease. Therefore, it has been classified as a Variant of Uncertain Significance.

Literature cited by the submitters: PubMed 25589632; PubMed 23975875.